The following is an entry in ClinVar:

ClinVar aggregate classification (germline): Uncertain significance. Review status: criteria provided, multiple submitters, no conflicts (2 of 4 stars). 3 submissions from 3 submitters: Uncertain significance (3). Last evaluated 2026-04-16.

Conditions:
Hereditary cancer-predisposing syndrome. Also called: Tumor predisposition; Neoplastic Syndromes, Hereditary; Hereditary neoplastic syndrome; Hereditary Cancer Syndrome. Identifiers: Orphanet 140162, MedGen C0027672, MeSH D009386, MONDO:0015356.
Neuroblastoma, susceptibility to, 3. Also called: ALK-Related Neuroblastic Tumor Susceptibility. Identifiers: Orphanet 635, MedGen C2751681, MONDO:0013083, OMIM 613014.

Allele frequency attached by ClinVar (database versions not stated): gnomAD 0.00001; gnomAD exomes 0.00001 and below 0.00001; ExAC 0.00001; 1000 Genomes Project 30x 0.00016; 1000 Genomes Project 0.00020.
gnomAD v4.1: 8 of 1,614,126 alleles (0.0005%); highest among the groups gnomAD compares: South Asian, 0.0011%; no homozygotes.

Submissions (3):

Ambry Genetics
Classification: Uncertain significance for Hereditary cancer-predisposing syndrome. Last evaluated: 2026-04-16. Review status: criteria provided, single submitter. Criteria: Ambry Variant Classification Scheme 2023. Collection method: clinical testing. Allele origin: germline.
Comment: The p.G977R variant (also known as c.2929G>A), located in coding exon 18 of the ALK gene, results from a G to A substitution at nucleotide position 2929. The glycine at codon 977 is replaced by arginine, an amino acid with dissimilar properties. This variant was detected as heterozygous in individual(s) with no reported features of neuroblastic tumor predisposition (Ambry internal data). This amino acid position is highly conserved in available vertebrate species. In addition, this alteration is predicted to be deleterious by in silico analysis. Based on the available evidence, the clinical significance of this variant remains unclear.

Labcorp Genetics (formerly Invitae), Labcorp
Classification: Uncertain significance for Neuroblastoma, susceptibility to, 3. Last evaluated: 2025-11-03. Review status: criteria provided, single submitter. Criteria: Invitae Variant Classification Sherloc (09022015). Collection method: clinical testing. Allele origin: germline.
Comment: This sequence change replaces glycine, which is neutral and non-polar, with arginine, which is basic and polar, at codon 977 of the ALK protein (p.Gly977Arg). This variant is present in population databases (rs568177600, gnomAD 0.003%). This variant has not been reported in the literature in individuals affected with ALK-related conditions. ClinVar contains an entry for this variant (Variation ID: 835560). An algorithm developed to predict the effect of missense changes on protein structure and function (PolyPhen-2) suggests that this variant is likely to be disruptive. In summary, the available evidence is currently insufficient to determine the role of this variant in disease. Therefore, it has been classified as a Variant of Uncertain Significance.

GeneDx
Classification: Uncertain significance. Last evaluated: 2024-02-21. Review status: criteria provided, single submitter. Criteria: GeneDx Variant Classification Process June 2021. Collection method: clinical testing. Allele origin: germline. Affected: yes.
Comment: Not observed at significant frequency in large population cohorts (gnomAD); In silico analysis supports that this missense variant has a deleterious effect on protein structure/function; Has not been previously published as pathogenic or benign to our knowledge; This variant is associated with the following publications: (PMID: 31837432)

NM_004304.5(ALK):c.2929G>A (p.Gly977Arg)

Gene: ALK (ALK receptor tyrosine kinase; minus strand). Cytogenetic location: 2p23.2.
Variant type: single nucleotide variant.
Coding change: c.2929G>A on transcript NM_004304.5 (MANE Select); coding-DNA position 2929, G replaced by A.
Protein change: p.Gly977Arg; replaces glycine 977 with arginine.
Molecular consequence: missense variant.
Genome position (GRCh38, 1-based): chr2:29,227,060, C>T on the plus strand (G>A on the coding strand, the complement: ALK is on the minus strand). VCF-style: chr2-29227060-C-T. GRCh37 (hg19) VCF-style: chr2-29449926-C-T.
Other names: short protein forms G977R.
Identifiers: ClinVar variation 835560 (VCV000835560.11), dbSNP rs568177600, ClinGen allele CA1594121.